The following is an entry in ClinVar:

NM_025144.4(ALPK1):c.304C>G (p.Arg102Gly)

Gene: ALPK1 (alpha kinase 1; plus strand). Cytogenetic location: 4q25.
Variant type: single nucleotide variant.
Coding change: c.304C>G on transcript NM_025144.4 (MANE Select); coding-DNA position 304, C replaced by G.
Protein change: p.Arg102Gly; replaces arginine 102 with glycine.
Molecular consequence: missense variant.
Genome position (GRCh38, 1-based): chr4:112,411,854, C>G. VCF-style: chr4-112411854-C-G. GRCh37 (hg19) VCF-style: chr4-113333010-C-G.
Other names: c.304C>G, p.Arg102Gly (NM_001102406.2); c.70C>G, p.Arg24Gly (NM_001253884.2); short protein forms R24G, R102G.
Identifiers: ClinVar variation 2889340 (VCV002889340.3), dbSNP rs778659546, ClinGen allele CA3046329.

ClinVar aggregate classification (germline): Uncertain significance (1 of 4 stars; one submission).

gnomAD v4.1: 4 of 1,613,272 alleles (0.00025%); highest among the groups gnomAD compares: Admixed American, 0.005%; no homozygotes.

Submission:

Labcorp Genetics (formerly Invitae), Labcorp
Classification: Uncertain significance. Last evaluated: 2022-11-11. Review status: criteria provided, single submitter. Criteria: Invitae Variant Classification Sherloc (09022015). Collection method: clinical testing. Allele origin: germline.
Comment: This sequence change replaces arginine, which is basic and polar, with glycine, which is neutral and non-polar, at codon 102 of the ALPK1 protein (p.Arg102Gly). This variant is present in population databases (rs778659546, gnomAD 0.006%). This variant has not been reported in the literature in individuals affected with ALPK1-related conditions. Advanced modeling of protein sequence and biophysical properties (such as structural, functional, and spatial information, amino acid conservation, physicochemical variation, residue mobility, and thermodynamic stability) performed at Invitae indicates that this missense variant is not expected to disrupt ALPK1 protein function. In summary, the available evidence is currently insufficient to determine the role of this variant in disease. Therefore, it has been classified as a Variant of Uncertain Significance.